The following is an entry in ClinVar:

NM_000161.3(GCH1):c.59A>G (p.Asn20Ser)

Genes: GCH1 (GTP cyclohydrolase 1; minus strand), LOC130055692 (ATAC-STARR-seq lymphoblastoid silent region 5776; plus strand). Cytogenetic location: 14q22.2.
Variant type: single nucleotide variant.
Coding change: c.59A>G on transcript NM_000161.3 (MANE Select); coding-DNA position 59, A replaced by G.
Protein change: p.Asn20Ser; replaces asparagine 20 with serine.
Molecular consequence: missense variant.
Genome position (GRCh38, 1-based): chr14:54,902,605, T>C on the plus strand (A>G on the coding strand, the complement: GCH1 is on the minus strand). VCF-style: chr14-54902605-T-C. GRCh37 (hg19) VCF-style: chr14-55369323-T-C.
Other names: c.59A>G, p.Asn20Ser (NM_001024024.2, NM_001024070.2, NM_001024071.2); short protein forms N20S.
Identifiers: ClinVar variation 1193688 (VCV001193688.5), dbSNP rs2040586742, ClinGen allele CA389794636.

ClinVar aggregate classification (germline): Uncertain significance. Review status: criteria provided, multiple submitters, no conflicts (2 of 4 stars). 2 submissions from 2 submitters: Uncertain significance (2). Last evaluated 2025-12-10.

Conditions:
GTP cyclohydrolase I deficiency. Identifiers: MedGen C0268467, MONDO:0100184.
Dystonia 5 (DRD). Also called: DYT-GCH1; DYSTONIA, PROGRESSIVE, WITH DIURNAL VARIATION; DYSTONIA-PARKINSONISM WITH DIURNAL FLUCTUATION; GTP Cyclohydrolase 1-Deficient Dopa-Responsive Dystonia; Dystonia, DOPA-responsive, with or without hyperphenylalaninemia. Identifiers: Orphanet 98808, MedGen C1851920, MONDO:0007495, OMIM 128230.

Allele frequency attached by ClinVar (database versions not stated): gnomAD exomes below 0.00001; gnomAD 0.00001.
gnomAD v4.1: 4 of 1,494,284 alleles (0.00027%); highest among the groups gnomAD compares: Admixed American, 0.0023%; no homozygotes.

Submissions (2):

GeneDx
Classification: Uncertain significance. Last evaluated: 2025-12-10. Review status: criteria provided, single submitter. Criteria: GeneDx Variant Classification Process June 2021. Collection method: clinical testing. Allele origin: germline. Affected: yes.
Comment: Not observed at significant frequency in large population cohorts (gnomAD); In silico analysis suggests that this missense variant does not alter protein structure/function; Has not been previously published as pathogenic or benign to our knowledge

Labcorp Genetics (formerly Invitae), Labcorp
Classification: Uncertain significance for GTP cyclohydrolase I deficiency; Dystonia 5. Last evaluated: 2022-08-07. Review status: criteria provided, single submitter. Criteria: Invitae Variant Classification Sherloc (09022015). Collection method: clinical testing. Allele origin: germline.
Comment: This sequence change replaces asparagine, which is neutral and polar, with serine, which is neutral and polar, at codon 20 of the GCH1 protein (p.Asn20Ser). This variant is not present in population databases (gnomAD no frequency). This variant has not been reported in the literature in individuals affected with GCH1-related conditions. ClinVar contains an entry for this variant (Variation ID: 1193688). Advanced modeling of protein sequence and biophysical properties (such as structural, functional, and spatial information, amino acid conservation, physicochemical variation, residue mobility, and thermodynamic stability) performed at Invitae indicates that this missense variant is not expected to disrupt GCH1 protein function. In summary, the available evidence is currently insufficient to determine the role of this variant in disease. Therefore, it has been classified as a Variant of Uncertain Significance.